The following is an entry in ClinVar:

ClinVar aggregate classification (germline): Pathogenic/Likely pathogenic. Review status: criteria provided, multiple submitters, no conflicts (2 of 4 stars). 6 submissions from 6 submitters: Pathogenic (3); Likely pathogenic (1). 2 of the submissions do not count toward it. Last evaluated 2024-11-19.

Conditions:
Metachromatic leukodystrophy (MLD). Also called: ARSA DEFICIENCY; CEREBROSIDE SULFATASE DEFICIENCY; METACHROMATIC LEUKOENCEPHALOPATHY; Arylsulfatase A Deficiency; SULFATIDE LIPIDOSIS; Cerebral sclerosis diffuse metachromatic form. Identifiers: Orphanet 512, MedGen C0023522, MONDO:0018868, OMIM 250100.
METACHROMATIC LEUKODYSTROPHY, MILD. Identifiers: MedGen C4017847.

Allele frequency attached by ClinVar (database versions not stated): gnomAD exomes 0.00001.

Submissions (6):

Natera, Inc.
Classification: Pathogenic for Metachromatic leukodystrophy. Last evaluated: 2024-11-19. Review status: criteria provided, single submitter. Criteria: Natera Variant Classification Schema (03/2026). Collection method: clinical testing. Allele origin: germline.
Comment: The c.1232C>T variant in ARSA is a missense variant predicted to cause substitution of threonine to isoleucine at amino acid 411. This variant is rare in the general population with a frequency below the threshold expected for the associated phenotype(s). This variant has been observed in one or more individuals affected with the associated recessive disease, as either homozygous or compound heterozygous with a second variant (PMID: 22798296, 7909527, 21265945, 10459747, 18832844). Functional studies show that this variant may disrupt protein function (PMID: 7909527). Computational prediction algorithms indicate this variant is likely to affect gene or protein function. Given the available evidence, this variant is classified as Pathogenic.

Women's Health and Genetics/Laboratory Corporation of America, LabCorp
Classification: Pathogenic for Metachromatic leukodystrophy. Last evaluated: 2024-08-23. Review status: criteria provided, single submitter. Criteria: LabCorp Variant Classification Summary - May 2015. Collection method: clinical testing. Allele origin: germline.
Comment: Variant summary: ARSA c.1232C>T (p.Thr411Ile) results in a non-conservative amino acid change in the encoded protein sequence. Two of four in-silico tools predict a benign effect of the variant on protein function. Two computational tools predict a significant impact on normal splicing, suggesting the variant strengthens a cryptic 3' acceptor site in the exon 27 bp away from the canonical splice site. At least one publication reports experimental evidence that this variant affects mRNA splicing, resulting in both normal and aberrant transcript with a 27 bp deletion from the usual exon 8 splice acceptor site. The variant was absent in 238866 control chromosomes (gnomAD). c.1232C>T has been reported in the literature in individuals affected with Metachromatic Leukodystrophy (e.g. Hasegawa_1994, Fukutani_1999, Suzuki_2008, Miura_2010). These data indicate that the variant is likely to be associated with disease. At least one publication reports experimental evidence evaluating an impact on protein function, finding that the variant results in 10%-<30% of normal ARSA activity (Hasegawa_1994). The following publications have been ascertained in the context of this evaluation (PMID: 7909527, 18832844, 22798296, 10459747). ClinVar contains an entry for this variant (Variation ID: 3087). Based on the evidence outlined above, the variant was classified as pathogenic.

Labcorp Genetics (formerly Invitae), Labcorp
Classification: Pathogenic for Metachromatic leukodystrophy. Last evaluated: 2023-08-10. Review status: criteria provided, single submitter. Criteria: Invitae Variant Classification Sherloc (09022015). Collection method: clinical testing. Allele origin: germline.
Comment: ClinVar contains an entry for this variant (Variation ID: 3087). This variant is also known as p.Thr409Ile. This missense change has been observed in individual(s) with metachromatic leukodystrophy (PMID: 7909527, 18832844, 19154224, 21265945, 22798296). This variant is not present in population databases (gnomAD no frequency). This sequence change replaces threonine, which is neutral and polar, with isoleucine, which is neutral and non-polar, at codon 411 of the ARSA protein (p.Thr411Ile). RNA analysis indicates that this missense change induces altered splicing and likely results in the loss of 9 amino acid residue(s), but is expected to preserve the integrity of the reading-frame. Advanced modeling of protein sequence and biophysical properties (such as structural, functional, and spatial information, amino acid conservation, physicochemical variation, residue mobility, and thermodynamic stability) has been performed at Invitae for this missense variant, however the output from this modeling did not meet the statistical confidence thresholds required to predict the impact of this variant on ARSA protein function. Experimental studies have shown that this missense change affects ARSA function (PMID: 7909527). Studies have shown that this missense change results in the activation of a cryptic splice site in exon 8 (PMID: 7909527). For these reasons, this variant has been classified as Pathogenic.

Myriad Genetics, Inc.
Classification: Likely pathogenic for Metachromatic leukodystrophy. Last evaluated: 2019-11-12. Review status: criteria provided, single submitter. Criteria: Myriad Women's Health Autosomal Recessive and X-Linked Classification Criteria (2019). Collection method: clinical testing. Allele origin: unknown.
Comment: NM_000487.5(ARSA):c.1232C>T(T411I) is classified as likely pathogenic in the context of metachromatic leukodystrophy. Sources cited for classification include the following: PMID 18832844, 22798296, 21265945, 19154224, 10459747 and 7909527. Classification of NM_000487.5(ARSA):c.1232C>T(T411I) is based on the following criteria: This variant has been observed more frequently in patients with clinical diagnoses than in healthy populations. Please note: this variant was assessed in the context of healthy population screening.

OMIM
Classification: Pathogenic for METACHROMATIC LEUKODYSTROPHY, MILD. Last evaluated: 1994-04-01. Review status: no assertion criteria provided. Collection method: literature only. Allele origin: germline. Not counted in ClinVar's aggregate classification.

GeneReviews
No classification provided. Condition: Metachromatic leukodystrophy. Review status: no classification provided. Collection method: literature only. Allele origin: germline. Not counted in ClinVar's aggregate classification.

Literature cited by the submitters: PubMed 22798296 (cited by 4 submitters); PubMed 7909527 (cited by 5 submitters); PubMed 21265945 (cited by 3 submitters); PubMed 10459747 (cited by 3 submitters); PubMed 18832844 (cited by 4 submitters); PubMed 19154224 (cited by Labcorp Genetics (formerly Invitae), Labcorp and Myriad Genetics, Inc.); NCBI Bookshelf NBK1130 (cited by GeneReviews); NCBI Bookshelf NBK9819708 (cited by GeneReviews).

NM_000487.6(ARSA):c.1232C>T (p.Thr411Ile)

Gene: ARSA (arylsulfatase A; minus strand). Cytogenetic location: 22q13.33.
Variant type: single nucleotide variant.
Coding change: c.1232C>T on transcript NM_000487.6 (MANE Select); coding-DNA position 1232, C replaced by T.
Protein change: p.Thr411Ile; replaces threonine 411 with isoleucine.
Molecular consequence: missense variant.
Genome position (GRCh38, 1-based): chr22:50,625,443, G>A on the plus strand (C>T on the coding strand, the complement: ARSA is on the minus strand). VCF-style: chr22-50625443-G-A. GRCh37 (hg19) VCF-style: chr22-51063871-G-A.
Other names: T409I; c.1232C>T, p.Thr411Ile (NM_001085425.3, NM_001085426.3, NM_001085427.3); c.974C>T, p.Thr325Ile (NM_001085428.3, NM_001362782.2); short protein forms T411I, T325I.
Identifiers: ClinVar variation 3087 (VCV000003087.14), dbSNP rs74315481, ClinGen allele CA115999.